The following is an entry in ClinVar:

NM_001943.5(DSG2):c.829-12C>A

Gene: DSG2 (desmoglein 2; plus strand). Cytogenetic location: 18q12.1.
Variant type: single nucleotide variant.
Coding change: c.829-12C>A on transcript NM_001943.5 (MANE Select); 12 bases into the intron before coding-DNA position 829, C replaced by A.
Molecular consequence: intron variant.
Genome position (GRCh38, 1-based): chr18:31,524,691, C>A. VCF-style: chr18-31524691-C-A. GRCh37 (hg19) VCF-style: chr18-29104654-C-A.
Identifiers: ClinVar variation 2775215 (VCV002775215.2), dbSNP rs2510912803, ClinGen allele CA2697555386.

ClinVar aggregate classification (germline): Uncertain significance (1 of 4 stars; one submission).

Conditions:
Cardiomyopathy (CMYO). Also called: Cardiomyopathies. Identifiers: Orphanet 167848, MedGen C0878544, MONDO:0004994, HP:0001638. Inheritance: Various modes of inheritance.

Submission:

Color Diagnostics, LLC DBA Color Health
Classification: Uncertain significance for Cardiomyopathy. Last evaluated: 2022-08-22. Review status: criteria provided, single submitter. Criteria: ACMG Guidelines, 2015. Collection method: clinical testing. Allele origin: germline.
Comment: This variant causes a C to A nucleotide substitution at the -12 position of intron 7 of the DSG2 gene. Splice prediction tools and conservation analysis are inconclusive regarding the impact of this variant on RNA splicing. To our knowledge, functional studies have not been reported for this variant. This variant has not been reported in individuals affected with cardiovascular disorders in the literature. This variant has not been identified in the general population by the Genome Aggregation Database (gnomAD). The available evidence is insufficient to determine the role of this variant in disease conclusively. Therefore, this variant is classified as a Variant of Uncertain Significance.